The following is an entry in ClinVar:

NM_000520.6(HEXA):c.1271G>A (p.Arg424His)

Gene: HEXA (hexosaminidase subunit alpha; minus strand). Cytogenetic location: 15q23.
Variant type: single nucleotide variant.
Coding change: c.1271G>A on transcript NM_000520.6 (MANE Select); coding-DNA position 1271, G replaced by A.
Protein change: p.Arg424His; replaces arginine 424 with histidine.
Molecular consequence: missense variant.
Genome position (GRCh38, 1-based): chr15:72,346,586, C>T on the plus strand (G>A on the coding strand, the complement: HEXA is on the minus strand). VCF-style: chr15-72346586-C-T. GRCh37 (hg19) VCF-style: chr15-72638927-C-T.
Other names: c.1271G>A (NM_000520.4); c.1304G>A, p.Arg435His (NM_001318825.2); short protein forms R424H, R435H.
Identifiers: ClinVar variation 1037233 (VCV001037233.11), dbSNP rs535095877, ClinGen allele CA7644744.

ClinVar aggregate classification (germline): Conflicting classifications of pathogenicity. Review status: criteria provided, conflicting classifications (1 of 4 stars). 3 submissions from 3 submitters: Uncertain significance (1); Likely benign (1). 1 of the submissions does not count toward it. Last evaluated 2026-07-09.

Conditions:
Inborn genetic diseases. Identifiers: MedGen C0950123, MeSH D030342.
Tay-Sachs disease (TSD). Also called: HEXA Disorders; Hexosaminidase A Deficiency; GM2 gangliosidosis, type 1; Hexosaminidase alpha-subunit deficiency (variant B); Sphingolipidosis, Tay-Sachs; HEXA DEFICIENCY. Identifiers: Orphanet 845, MedGen C0039373, MONDO:0010100, OMIM 272800.

Allele frequency attached by ClinVar (database versions not stated): ExAC 0.00002; 1000 Genomes Project 0.00020; gnomAD 0.00001; gnomAD exomes 0.00002; TOPMed 0.00002; 1000 Genomes Project 30x 0.00016.
gnomAD v4.1: 18 of 1,613,848 alleles (0.0011%); highest among the groups gnomAD compares: Middle Eastern, 0.017%; no homozygotes.

Submissions (3):

Ambry Genetics
Classification: Likely benign for Inborn genetic diseases. Last evaluated: 2026-07-09. Review status: criteria provided, single submitter. Criteria: Ambry Variant Classification Scheme 2023. Collection method: clinical testing. Allele origin: germline.

Labcorp Genetics (formerly Invitae), Labcorp
Classification: Uncertain significance for Tay-Sachs disease. Last evaluated: 2022-03-26. Review status: criteria provided, single submitter. Criteria: Invitae Variant Classification Sherloc (09022015). Collection method: clinical testing. Allele origin: germline.
Comment: This sequence change replaces arginine, which is basic and polar, with histidine, which is basic and polar, at codon 424 of the HEXA protein (p.Arg424His). This variant is present in population databases (rs535095877, gnomAD 0.01%). This variant has not been reported in the literature in individuals affected with HEXA-related conditions. ClinVar contains an entry for this variant (Variation ID: 1037233). Algorithms developed to predict the effect of missense changes on protein structure and function output the following: SIFT: "Tolerated"; PolyPhen-2: "Benign"; Align-GVGD: "Class C0". The histidine amino acid residue is found in multiple mammalian species, which suggests that this missense change does not adversely affect protein function. In summary, the available evidence is currently insufficient to determine the role of this variant in disease. Therefore, it has been classified as a Variant of Uncertain Significance.

Natera, Inc.
Classification: Uncertain significance for Tay-Sachs disease. Last evaluated: 2019-10-02. Review status: no assertion criteria provided. Collection method: clinical testing. Allele origin: germline. Not counted in ClinVar's aggregate classification.